The following is an entry in ClinVar:

ClinVar aggregate classification (germline): Pathogenic (1 of 4 stars; one submission).

Conditions:
Peroxisome biogenesis disorder 5A (Zellweger) (PBD5A). Identifiers: Orphanet 912, MedGen C3553940, MONDO:0013932, OMIM 614866.

Submission:

Labcorp Genetics (formerly Invitae), Labcorp
Classification: Pathogenic for Peroxisome biogenesis disorder 5A (Zellweger). Last evaluated: 2021-12-03. Review status: criteria provided, single submitter. Criteria: Invitae Variant Classification Sherloc (09022015). Collection method: clinical testing. Allele origin: germline.
Comment: For these reasons, this variant has been classified as Pathogenic. This variant disrupts a region of the PEX2 protein in which other variant(s) (p.Arg184Valfs*8) have been determined to be pathogenic (PMID: 10652207, 14630978, 17041890). This suggests that this is a clinically significant region of the protein, and that variants that disrupt it are likely to be disease-causing. This variant has not been reported in the literature in individuals affected with PEX2-related conditions. This variant is not present in population databases (gnomAD no frequency). This sequence change creates a premature translational stop signal (p.Arg4*) in the PEX2 gene. While this is not anticipated to result in nonsense mediated decay, it is expected to disrupt the last 302 amino acid(s) of the PEX2 protein.

Literature cited by the submitters: PubMed 10652207; PubMed 14630978; PubMed 17041890.

NM_000318.3(PEX2):c.10A>T (p.Arg4Ter)

Gene: PEX2 (peroxisomal biogenesis factor 2; minus strand). Cytogenetic location: 8q21.13.
Variant type: single nucleotide variant.
Coding change: c.10A>T on transcript NM_000318.3 (MANE Select); coding-DNA position 10, A replaced by T.
Protein change: p.Arg4Ter; replaces arginine 4 with a stop codon.
Molecular consequence: nonsense.
Genome position (GRCh38, 1-based): chr8:76,984,169, T>A on the plus strand (A>T on the coding strand, the complement: PEX2 is on the minus strand). VCF-style: chr8-76984169-T-A. GRCh37 (hg19) VCF-style: chr8-77896405-T-A.
Other names: c.10A>T, p.Arg4Ter (NM_001079867.2, NM_001172086.2, NM_001172087.2); short protein forms R4*.
Identifiers: ClinVar variation 1434446 (VCV001434446.8), dbSNP rs1297517393, ClinGen allele CA371558291.